The following is an entry in ClinVar:

ClinVar aggregate classification (germline): Likely benign (1 of 4 stars; one submission).

gnomAD v4.1: 1 of 1,583,762 alleles (0.000063%); highest among the groups gnomAD compares: Non-Finnish European, 0.000086%; no homozygotes.

Submission:

CeGaT Center for Human Genetics Tuebingen
Classification: Likely benign. Last evaluated: 2022-07-01. Review status: criteria provided, single submitter. Criteria: CeGaT Center For Human Genetics Tuebingen Variant Classification Criteria Version 2. Collection method: clinical testing. Allele origin: germline. Affected: yes. Observed: 1 variant allele.
Comment: SLC25A46: BP4, BP7

NM_138773.4(SLC25A46):c.135T>A (p.Thr45=)

Gene: SLC25A46 (solute carrier family 25 member 46; plus strand). Cytogenetic location: 5q22.1.
Variant type: single nucleotide variant.
Coding change: c.135T>A on transcript NM_138773.4 (MANE Select); coding-DNA position 135, T replaced by A.
Protein change: p.Thr45=; no amino-acid change (threonine 45 retained).
Molecular consequence: synonymous variant. On other transcripts: non-coding transcript variant (1), intron variant (1).
Genome position (GRCh38, 1-based): chr5:110,739,254, T>A. VCF-style: chr5-110739254-T-A. GRCh37 (hg19) VCF-style: chr5-110074955-T-A.
Other names: c.135T>A, p.Thr45= (NM_001303249.3); c.10+1007T>A (NM_001303250.3).
Identifiers: ClinVar variation 2655630 (VCV002655630.24), dbSNP rs1244358396, ClinGen allele CA445965036.